The following is an entry in ClinVar:

ClinVar aggregate classification (germline): Uncertain significance. Review status: criteria provided, multiple submitters, no conflicts (2 of 4 stars). 2 submissions from 2 submitters: Uncertain significance (2). Last evaluated 2025-02-20.

Conditions:
Inborn genetic diseases. Identifiers: MedGen C0950123, MeSH D030342.

gnomAD v4.1: 4 of 1,614,250 alleles (0.00025%); highest among the groups gnomAD compares: Admixed American, 0.005%; no homozygotes.

Submissions (2):

Ambry Genetics
Classification: Uncertain significance for Inborn genetic diseases. Last evaluated: 2025-02-20. Review status: criteria provided, single submitter. Criteria: Ambry Variant Classification Scheme 2023. Collection method: clinical testing. Allele origin: germline.

Labcorp Genetics (formerly Invitae), Labcorp
Classification: Uncertain significance. Last evaluated: 2024-10-29. Review status: criteria provided, single submitter. Criteria: Invitae Variant Classification Sherloc (09022015). Collection method: clinical testing. Allele origin: germline.
Comment: This sequence change replaces cysteine, which is neutral and slightly polar, with tyrosine, which is neutral and polar, at codon 310 of the TBXAS1 protein (p.Cys310Tyr). This variant is present in population databases (no rsID available, gnomAD 0.003%). This variant has not been reported in the literature in individuals affected with TBXAS1-related conditions. An algorithm developed to predict the effect of missense changes on protein structure and function outputs the following: PolyPhen-2: "Benign". The tyrosine amino acid residue is found in multiple mammalian species, which suggests that this missense change does not adversely affect protein function. In summary, the available evidence is currently insufficient to determine the role of this variant in disease. Therefore, it has been classified as a Variant of Uncertain Significance.

NM_001061.7(TBXAS1):c.926G>A (p.Cys309Tyr)

Gene: TBXAS1 (thromboxane A synthase 1; plus strand). Cytogenetic location: 7q34.
Variant type: single nucleotide variant.
Coding change: c.926G>A on transcript NM_001061.7 (MANE Select); coding-DNA position 926, G replaced by A.
Protein change: p.Cys309Tyr; replaces cysteine 309 with tyrosine.
Molecular consequence: missense variant.
Genome position (GRCh38, 1-based): chr7:139,962,025, G>A. VCF-style: chr7-139962025-G-A. GRCh37 (hg19) VCF-style: chr7-139661824-G-A.
Other names: c.929G>A (NM_001061.4); c.926G>A, p.Cys309Tyr (NM_001130966.5, NM_030984.6); c.1064G>A, p.Cys355Tyr (NM_001166253.4); c.725G>A, p.Cys242Tyr (NM_001166254.4); c.869G>A, p.Cys290Tyr (NM_001314028.4); c.743G>A, p.Cys248Tyr (NM_001366537.3); short protein forms C242Y, C248Y, C290Y, C309Y, C310Y, C355Y, C356Y.
Identifiers: ClinVar variation 3626841 (VCV003626841.3).
Genomic context (GRCh38, chr7:139,962,025, plus strand): 5'-CAAGTCCCATGGGCGTGCAAGACTTTGACATCGTCAGAGACGTTTTCTCCTCTACTGGGT[G>A]CAAGCCGAACCCTTCCCGGCAACACCAGCCCAGCCCTATGGCCAGGCCTTTGACTGTGGA-3'
Protein context (NP_001052.3, residues 299-319): IVRDVFSSTG[Cys309Tyr]KPNPSRQHQP